The following is an entry in ClinVar:

NM_014679.5(CEP57):c.940A>T (p.Met314Leu)

Gene: CEP57 (centrosomal protein 57; plus strand). Cytogenetic location: 11q21.
Variant type: single nucleotide variant.
Coding change: c.940A>T on transcript NM_014679.5 (MANE Select); coding-DNA position 940, A replaced by T.
Protein change: p.Met314Leu; replaces methionine 314 with leucine.
Molecular consequence: missense variant.
Genome position (GRCh38, 1-based): chr11:95,827,840, A>T. VCF-style: chr11-95827840-A-T. GRCh37 (hg19) VCF-style: chr11-95561004-A-T.
Other names: c.913A>T, p.Met305Leu (NM_001243776.2); c.862A>T, p.Met288Leu (NM_001243777.2); c.859A>T, p.Met287Leu (NM_001363604.2); short protein forms M287L, M288L, M314L, M305L.
Identifiers: ClinVar variation 3490841 (VCV003490841.1).

ClinVar aggregate classification (germline): Uncertain significance (1 of 4 stars; one submission).

Conditions:
Inborn genetic diseases. Identifiers: MedGen C0950123, MeSH D030342.

Submission:

Ambry Genetics
Classification: Uncertain significance for Inborn genetic diseases. Last evaluated: 2024-11-28. Review status: criteria provided, single submitter. Criteria: Ambry Variant Classification Scheme 2023. Collection method: clinical testing. Allele origin: germline.
Comment: The p.M314L variant (also known as c.940A>T), located in coding exon 9 of the CEP57 gene, results from an A to T substitution at nucleotide position 940. The methionine at codon 314 is replaced by leucine, an amino acid with highly similar properties. This amino acid position is conserved. In addition, this alteration is predicted to be tolerated by in silico analysis. Based on the available evidence, the clinical significance of this variant remains unclear.